The following is an entry in ClinVar:

NM_000368.5(TSC1):c.1255C>A (p.Pro419Thr)

Gene: TSC1 (TSC complex subunit 1; minus strand). Cytogenetic location: 9q34.13.
Variant type: single nucleotide variant.
Coding change: c.1255C>A on transcript NM_000368.5 (MANE Select); coding-DNA position 1255, C replaced by A.
Protein change: p.Pro419Thr; replaces proline 419 with threonine.
Molecular consequence: missense variant.
Genome position (GRCh38, 1-based): chr9:132,910,579, G>T on the plus strand (C>A on the coding strand, the complement: TSC1 is on the minus strand). VCF-style: chr9-132910579-G-T. GRCh37 (hg19) VCF-style: chr9-135785966-G-T.
Other names: c.1252C>A, p.Pro418Thr (NM_001406598.1, NM_001406599.1, NM_001406600.1 and 6 more transcripts); c.1255C>A, p.Pro419Thr (NM_001406601.1, NM_001406602.1, NM_001406605.1 and 7 more transcripts); c.892C>A, p.Pro298Thr (NM_001406617.1, NM_001406618.1, NM_001406619.1 and 5 more transcripts); c.889C>A, p.Pro297Thr (NM_001406620.1, NM_001406621.1, NM_001406622.1 and 2 more transcripts); c.304C>A, p.Pro102Thr (NM_001406626.1); c.1102C>A, p.Pro368Thr (NM_001162427.2, NM_001406610.1); c.1099C>A, p.Pro367Thr (NM_001406611.1, NM_001406612.1, NM_001406613.1); c.301C>A, p.Pro101Thr (NM_001406627.1, NM_001406628.1); and 1 more; short protein forms P101T, P102T, P368T, P418T, P297T, P298T, P367T, P68T.
Identifiers: ClinVar variation 1761687 (VCV001761687.6), dbSNP rs765145057, ClinGen allele CA375366744.

ClinVar aggregate classification (germline): Uncertain significance. Review status: criteria provided, multiple submitters, no conflicts (2 of 4 stars). 3 submissions from 3 submitters: Uncertain significance (3). Last evaluated 2023-11-22.

Conditions:
Hereditary cancer-predisposing syndrome. Also called: Neoplastic Syndromes, Hereditary; Tumor predisposition; Hereditary neoplastic syndrome; Hereditary Cancer Syndrome. Identifiers: Orphanet 140162, MedGen C0027672, MeSH D009386, MONDO:0015356.
Isolated focal cortical dysplasia type II (FCORD2). Also called: CORTICAL DYSPLASIA OF TAYLOR; Focal cortical dysplasia type II. Identifiers: Orphanet 268994, MedGen C1846385, MONDO:0011818, OMIM 607341, HP:0032051.
Tuberous sclerosis 1 (TSC1). Identifiers: Orphanet 805, MedGen C1854465, MONDO:0008612, OMIM 191100.

Allele frequency attached by ClinVar (database versions not stated): gnomAD 0.00001.
gnomAD v4.1: 1 of 1,613,946 alleles (0.000062%); highest among the groups gnomAD compares: African/African-American, 0.0013%; no homozygotes.

Submissions (3):

Baylor Genetics
Classification: Uncertain significance for Isolated focal cortical dysplasia type II. Last evaluated: 2023-11-22. Review status: criteria provided, single submitter. Criteria: ACMG Guidelines, 2015. Collection method: clinical testing. Allele origin: unknown.

Labcorp Genetics (formerly Invitae), Labcorp
Classification: Uncertain significance for Tuberous sclerosis 1. Last evaluated: 2022-11-07. Review status: criteria provided, single submitter. Criteria: Invitae Variant Classification Sherloc (09022015). Collection method: clinical testing. Allele origin: germline.
Comment: In summary, the available evidence is currently insufficient to determine the role of this variant in disease. Therefore, it has been classified as a Variant of Uncertain Significance. Advanced modeling of protein sequence and biophysical properties (such as structural, functional, and spatial information, amino acid conservation, physicochemical variation, residue mobility, and thermodynamic stability) performed at Invitae indicates that this missense variant is not expected to disrupt TSC1 protein function. This variant has not been reported in the literature in individuals affected with TSC1-related conditions. This variant is not present in population databases (gnomAD no frequency). This sequence change replaces proline, which is neutral and non-polar, with threonine, which is neutral and polar, at codon 419 of the TSC1 protein (p.Pro419Thr).

Ambry Genetics
Classification: Uncertain significance for Hereditary cancer-predisposing syndrome. Last evaluated: 2021-02-18. Review status: criteria provided, single submitter. Criteria: Ambry Variant Classification Scheme 2023. Collection method: clinical testing. Allele origin: germline.
Comment: The p.P419T variant (also known as c.1255C>A), located in coding exon 10 of the TSC1 gene, results from a C to A substitution at nucleotide position 1255. The proline at codon 419 is replaced by threonine, an amino acid with highly similar properties. This amino acid position is poorly conserved in available vertebrate species. In addition, this alteration is predicted to be tolerated by in silico analysis. Since supporting evidence is limited at this time, the clinical significance of this alteration remains unclear.